The following is an entry in ClinVar:

ClinVar aggregate classification (germline): Benign/Likely benign. Review status: criteria provided, multiple submitters, no conflicts (2 of 4 stars). 3 submissions from 3 submitters: Benign (1); Likely benign (1). 1 of the submissions does not count toward it. Last evaluated 2024-06-21.

Conditions:
Occult macular dystrophy (OCMD). Also called: OMD; OCCULT MACULAR DYSTROPHY, SUSCEPTIBILITY TO. Identifiers: Orphanet 247834, MedGen C3150833, MONDO:0013316, OMIM 613587, HP:0030636.
RP1L1-related disorder. Also called: RP1L1-related condition.

Allele frequency attached by ClinVar (database versions not stated): ESP Exome Variant Server 0.00024; gnomAD 0.00012; TOPMed 0.00014.
gnomAD v4.1: 151 of 1,613,434 alleles (0.0094%); highest among the groups gnomAD compares: African/African-American, 0.015%; no homozygotes.

Submissions (3):

Blueprint Genetics
Classification: Likely benign. Last evaluated: 2024-06-21. Review status: criteria provided, single submitter. Criteria: ACMG Guidelines, 2015. Collection method: clinical testing. Allele origin: germline.

Illumina Laboratory Services, Illumina
Classification: Benign for Occult macular dystrophy. Last evaluated: 2018-01-13. Review status: criteria provided, single submitter. Criteria: ICSL Variant Classification Criteria 13 December 2019. Collection method: clinical testing. Allele origin: germline.
Comment: This variant was observed in the ICSL laboratory as part of a predisposition screen in an ostensibly healthy population. It had not been previously curated by ICSL or reported in the Human Gene Mutation Database (HGMD: prior to June 1st, 2018), and was therefore a candidate for classification through an automated scoring system. Utilizing variant allele frequency, disease prevalence and penetrance estimates, and inheritance mode, an automated score was calculated to assess if this variant is too frequent to cause the disease. Based on the score and internal cut-off values, a variant classified as benign is not then subjected to further curation. The score for this variant resulted in a classification of benign for this disease.

PreventionGenetics, part of Exact Sciences
Classification: Likely benign for RP1L1-related condition. Last evaluated: 2024-08-27. Review status: no assertion criteria provided. Collection method: clinical testing. Allele origin: germline. Not counted in ClinVar's aggregate classification.
Comment: This variant is classified as likely benign based on ACMG/AMP sequence variant interpretation guidelines (Richards et al. 2015 PMID: 25741868, with internal and published modifications).

NM_178857.6(RP1L1):c.2396C>T (p.Thr799Met)

Gene: RP1L1 (RP1 like 1). Cytogenetic location: 8p23.1.
Variant type: single nucleotide variant.
Coding change: c.2396C>T on transcript NM_178857.6 (MANE Select); coding-DNA position 2396, C replaced by T.
Protein change: p.Thr799Met; replaces threonine 799 with methionine.
Molecular consequence: missense variant.
Genome position (GRCh38, 1-based): chr8:10,611,702, G>A on the plus strand (C>T on the coding strand, the complement: RP1L1 is on the minus strand). VCF-style: chr8-10611702-G-A. GRCh37 (hg19) VCF-style: chr8-10469212-G-A.
Other names: short protein forms T799M.
Identifiers: ClinVar variation 361347 (VCV000361347.7), dbSNP rs371519198, ClinGen allele CA4624844.